The following is an entry in ClinVar:

ClinVar aggregate classification (germline): Pathogenic. Review status: reviewed by expert panel (3 of 4 stars). 3 submissions from 3 submitters: Pathogenic (1). 2 of the submissions do not count toward it. Last evaluated 2016-09-08.

Conditions:
Hereditary breast ovarian cancer syndrome. Also called: Hereditary breast and ovarian cancer syndrome (HBOC); Hereditary breast and ovarian cancer syndrome; Hereditary breast and ovarian cancer; Hereditary breast and/or ovarian cancer syndrome; Breast and ovarian cancer; BRCA1- and BRCA2-Associated Hereditary Breast and Ovarian Cancer. Identifiers: Orphanet 145, MedGen C0677776, MeSH D061325, MONDO:0003582. Disease mechanism: loss of function.
Breast-ovarian cancer, familial, susceptibility to, 1 (BROVCA1). Also called: OVARIAN CANCER, SUSCEPTIBILITY TO; BRCA1 Hereditary Breast and Ovarian Cancer. Identifiers: Orphanet 145, MedGen C2676676, MONDO:0011450, OMIM 604370. Disease mechanism: loss of function.

Submissions (3):

Evidence-based Network for the Interpretation of Germline Mutant Alleles (ENIGMA)
Classification: Pathogenic for Breast-ovarian cancer, familial, susceptibility to, 1. Last evaluated: 2016-09-08. Review status: reviewed by expert panel. Criteria: ENIGMA BRCA1/2 Classification Criteria (2015). Collection method: curation. Allele origin: germline.
Comment: Variant allele predicted to encode a truncated non-functional protein.

Labcorp Genetics (formerly Invitae), Labcorp
Classification: Pathogenic for Hereditary breast ovarian cancer syndrome. Last evaluated: 2019-08-05. Review status: criteria provided, single submitter. Criteria: Invitae Variant Classification Sherloc (09022015). Collection method: clinical testing. Allele origin: germline. Not counted in ClinVar's aggregate classification.
Comment: For these reasons, this variant has been classified as Pathogenic. Loss-of-function variants in BRCA1 are known to be pathogenic (PMID: 20104584). This variant has been observed in an individual with ovarian cancer (PMID: 9714446). This variant is also known in the literature as 1701del7(ACTCCTG). ClinVar contains an entry for this variant (Variation ID: 54301). This variant is not present in population databases (ExAC no frequency). This sequence change creates a premature translational stop signal (p.Thr528Lysfs*2) in the BRCA1 gene. It is expected to result in an absent or disrupted protein product.

Breast Cancer Information Core (BIC) (BRCA1)
Classification: Pathogenic for Breast-ovarian cancer, familial 1. Last evaluated: 2002-05-29. Review status: no assertion criteria provided. Collection method: clinical testing. Allele origin: germline. Affected: yes. Observed: 2 variant alleles. Not counted in ClinVar's aggregate classification.

Literature cited by the submitters: PubMed 20104584 (cited by Labcorp Genetics (formerly Invitae), Labcorp); PubMed 9714446 (cited by Labcorp Genetics (formerly Invitae), Labcorp).

NM_007294.4(BRCA1):c.1583_1589del (p.Thr528fs)

Gene: BRCA1 (BRCA1 DNA repair associated; minus strand). Cytogenetic location: 17q21.31.
Variant type: Deletion.
Coding change: c.1583_1589del on transcript NM_007294.4 (MANE Select); coding-DNA positions 1583 to 1589, 7 bases deleted (CTCCTGA; older notation c.1583_1589delCTCCTGA).
Protein change: p.Thr528fs; shifts the reading frame from threonine 528.
Molecular consequence: frameshift variant. On other transcripts: intron variant (137).
Genome position (GRCh38, 1-based): chr17:43,093,942-43,093,948, TCAGGAG deleted on the plus strand (CTCCTGA on the coding strand, the reverse complement: BRCA1 is on the minus strand); deleting any 7 consecutive bases within chr17:43,093,942-43,093,950 gives the same sequence; the c. name uses the placement nearest the transcript's 3' end. VCF-style (leftmost placement, unchanged base first): chr17-43093941-TTCAGGAG-T. GRCh37 (hg19) VCF-style: chr17-41245958-TTCAGGAG-T.
Other names: 1701del7; c.1583_1589delCTCCTGA (NM_007294.3); c.1370_1376del, p.Thr457fs (NM_001407571.1, NM_001407853.1, NM_001407894.1 and 9 more transcripts); c.1583_1589del, p.Thr528fs (NM_001407581.1, NM_001407582.1, NM_001407583.1 and 30 more transcripts); c.1580_1586del, p.Thr527fs (NM_001407587.1, NM_001407590.1, NM_001407591.1 and 22 more transcripts); c.1574_1580del, p.Thr525fs (NM_001407646.1, NM_001407647.1); c.1460_1466del, p.Thr487fs (NM_001407648.1, NM_001407664.1, NM_001407665.1 and 19 more transcripts); c.1457_1463del, p.Thr486fs (NM_001407649.1, NM_001407670.1, NM_001407671.1 and 11 more transcripts); and 42 more; short protein forms T481fs, T528fs, T458fs, T461fs, T487fs, T400fs, T416fs, T417fs.
Identifiers: ClinVar variation 54301 (VCV000054301.11), dbSNP rs80357613, ClinGen allele CA001058.